The following is an entry in ClinVar:

ClinVar aggregate classification (germline): Uncertain significance (1 of 4 stars; one submission).

Submission:

Labcorp Genetics (formerly Invitae), Labcorp
Classification: Uncertain significance. Last evaluated: 2022-06-08. Review status: criteria provided, single submitter. Criteria: Invitae Variant Classification Sherloc (09022015). Collection method: clinical testing. Allele origin: germline.
Comment: In summary, the available evidence is currently insufficient to determine the role of this variant in disease. Therefore, it has been classified as a Variant of Uncertain Significance. Experimental studies and prediction algorithms are not available or were not evaluated, and the functional significance of this variant is currently unknown. This variant has not been reported in the literature in individuals affected with FOXI3-related conditions. This variant is not present in population databases (gnomAD no frequency). This variant, c.686_724del, results in the deletion of 13 amino acid(s) of the FOXI3 protein (p.Phe229_Arg241del), but otherwise preserves the integrity of the reading frame.

NM_001135649.3(FOXI3):c.686_724del (p.Phe229_Arg241del)

Gene: FOXI3 (forkhead box I3; minus strand). Cytogenetic location: 2p11.2.
Variant type: Deletion.
Coding change: c.686_724del on transcript NM_001135649.3 (MANE Select); coding-DNA positions 686 to 724, 39 bases deleted.
Protein change: p.Phe229_Arg241del.
Molecular consequence: inframe deletion.
Genome position (GRCh38, 1-based): chr2:88,448,746-88,448,784, 39 bases deleted; deleting any 39 consecutive bases within chr2:88,448,746-88,448,785 gives the same sequence; the c. name uses the placement nearest the transcript's 3' end. GRCh37 (hg19): chr2:88,748,266-88,748,304.
Identifiers: ClinVar variation 2003555 (VCV002003555.4), dbSNP rs2528910445, ClinGen allele CA2580068336.
Genomic context (GRCh38, chr2:88,448,745, plus strand): 5'-GAGAGCCCTTCTTCGGACTTTGATGTCCCAGCAGCCACTGTGGAGCCATTGCTGGCCTCA[GAGCGGCGCTTTCGCTTCCGACGGAAGTTCCCATTGTCAA>G]ACATTTTCTCGCAGTTCGGATCAAGAGTCCAATAATTACCCTTTCCTGAGAAGATGAGAA-3'